The following is an entry in ClinVar:

NM_001378454.1(ALMS1):c.9613ACA[1] (p.Thr3206del)

Gene: ALMS1 (ALMS1 centrosome and basal body associated protein; plus strand). Cytogenetic location: 2p13.1.
Variant type: Microsatellite.
Coding change: c.9613ACA[1] on transcript NM_001378454.1 (MANE Select); one copy of the 3-base unit ACA starting at c.9613; the reference has two copies in a row; one copy, 3 bases deleted.
Protein change: p.Thr3206del; deletes threonine 3206.
Molecular consequence: inframe deletion.
Genome position (GRCh38, 1-based): chr2:73,519,851-73,519,853, ACA deleted; deleting any 3 consecutive bases within chr2:73,519,847-73,519,853 gives the same sequence; the position shown is the placement nearest the transcript's 3' end. VCF-style (leftmost placement, unchanged base first): chr2-73519846-TAAC-T. GRCh37 (hg19) VCF-style: chr2-73746973-TAAC-T.
Other names: c.9616ACA[1], p.Thr3207del (NM_015120.4); c.9619_9621delACA (NM_015120.4); short protein forms T3207del, T3206del.
Identifiers: ClinVar variation 555410 (VCV000555410.3), dbSNP rs762803723, ClinGen allele CA1714714.

ClinVar aggregate classification (germline): Uncertain significance. Review status: criteria provided, single submitter (1 of 4 stars). 2 submissions from 2 submitters: Uncertain significance (1). 1 of the submissions does not count toward it. Last evaluated 2025-11-21.

Conditions:
Cardiovascular phenotype. Identifiers: MedGen CN230736.
Alstrom syndrome (ALMS). Identifiers: Orphanet 64, MedGen C0268425, MONDO:0008763, OMIM 203800.

Submissions (2):

Ambry Genetics
Classification: Uncertain significance for Cardiovascular phenotype. Last evaluated: 2025-11-21. Review status: criteria provided, single submitter. Criteria: Ambry Variant Classification Scheme 2023. Collection method: clinical testing. Allele origin: germline.
Comment: The c.9619_9621delACA variant (also known as p.T3207del) is located in coding exon 11 of the ALMS1 gene. This variant results from an in-frame ACA deletion at nucleotide positions 9619 to 9621. This results in the in-frame deletion of a threonine at codon 3207. This amino acid position is highly conserved in available vertebrate species. In addition, this variant is predicted to be deleterious by in silico analysis (Choi Y et al. PLoS ONE. 2012; 7(10):e46688). Based on the available evidence, the clinical significance of this variant remains unclear.

Counsyl
Classification: Uncertain significance for Alstrom syndrome. Last evaluated: 2017-12-04. Review status: no assertion criteria provided. Collection method: clinical testing. Allele origin: unknown. Not counted in ClinVar's aggregate classification.